The following is an entry in ClinVar:

ClinVar aggregate classification (germline): Uncertain significance (1 of 4 stars; one submission).

Conditions:
Congenital myopathy 23 (CMYO23). Also called: CAP MYOPATHY 2; NEMALINE MYOPATHY 4; Nemaline myopathy 4, autosomal dominant. Identifiers: MedGen C1836447, MONDO:0012240, OMIM 609285.

Submission:

Neuberg Centre For Genomic Medicine, NCGM
Classification: Uncertain significance for Congenital myopathy 23. Review status: criteria provided, single submitter. Criteria: ACMG Guidelines, 2015. Collection method: clinical testing. Allele origin: germline. Inheritance: Autosomal dominant inheritance. Affected: yes.
Comment: The missense variant c.784G>T (p.Ala262Ser) in TPM2 (NM_001301227.1) gene has not been reported previously as a pathogenic variant nor as a benign variant, to our knowledge. The p.Ala262Ser variant is novel (not in any individuals) in gnomAD Exomes and 1000 Genomes. The amino acid Ala at position 262 is changed to a Ser changing protein sequence and it might alter its composition and physico-chemical properties. In silico tools predict the variant to be tolerated. The residue is conserved across species. The amino acid change p.Ala262Ser in TPM2 is predicted as conserved by GERP++ and PhyloP across 100 vertebrates. For these reasons, this variant has been classified as Uncertain Significance (VUS).

NM_003289.4(TPM2):c.784G>T (p.Ala262Ser)

Gene: TPM2 (tropomyosin 2; minus strand). Cytogenetic location: 9p13.3.
Variant type: single nucleotide variant.
Coding change: c.784G>T on transcript NM_003289.4 (MANE Select); coding-DNA position 784, G replaced by T.
Protein change: p.Ala262Ser; replaces alanine 262 with serine.
Molecular consequence: missense variant. On other transcripts: intron variant (2).
Genome position (GRCh38, 1-based): chr9:35,683,230, C>A on the plus strand (G>T on the coding strand, the complement: TPM2 is on the minus strand). VCF-style: chr9-35683230-C-A. GRCh37 (hg19) VCF-style: chr9-35683227-C-A.
Other names: c.784G>T, p.Ala262Ser (NM_001301227.2); c.772+1016G>T (NM_213674.1, NM_001301226.2); short protein forms A262S.
Identifiers: ClinVar variation 2585480 (VCV002585480.1), dbSNP rs1220242847, ClinGen allele CA373363209.